The following is an entry in ClinVar:

NM_144670.6(A2ML1):c.827C>G (p.Pro276Arg)

Gene: A2ML1 (alpha-2-macroglobulin like 1; plus strand). Cytogenetic location: 12p13.31.
Variant type: single nucleotide variant.
Coding change: c.827C>G on transcript NM_144670.6 (MANE Select); coding-DNA position 827, C replaced by G.
Protein change: p.Pro276Arg; replaces proline 276 with arginine.
Molecular consequence: missense variant.
Genome position (GRCh38, 1-based): chr12:8,837,538, C>G. VCF-style: chr12-8837538-C-G. GRCh37 (hg19) VCF-style: chr12-8990134-C-G.
Other names: c.827C>G (NM_144670.5, NM_144670.3); short protein forms P276R.
Identifiers: ClinVar variation 970215 (VCV000970215.12), dbSNP rs201979319, ClinGen allele CA6435441.

ClinVar aggregate classification (germline): Conflicting classifications of pathogenicity. Review status: criteria provided, conflicting classifications (1 of 4 stars). 5 submissions from 5 submitters: Uncertain significance (4); Likely benign (1). Last evaluated 2026-05-18.

Conditions:
A2ML1-related disorder. Also called: A2ML1-related condition.
Otitis media, susceptibility to (OMS). Also called: OTITIS MEDIA, CHRONIC/RECURRENT; COME/ROM. Identifiers: MedGen C1833692, MONDO:0008162, OMIM 166760.

Allele frequency attached by ClinVar (database versions not stated): gnomAD exomes 0.00005; gnomAD 0.00009; TOPMed 0.00010; 1000 Genomes Project 0.00020; 1000 Genomes Project 30x 0.00031.
gnomAD v4.1: 196 of 1,613,772 alleles (0.012%); highest among the groups gnomAD compares: Non-Finnish European, 0.016%; no homozygotes.

Submissions (5):

PreventionGenetics, part of Exact Sciences
Classification: Uncertain significance for A2ML1-related condition. Last evaluated: 2026-05-18. Review status: criteria provided, single submitter. Criteria: ACMG Guidelines, 2015. Collection method: clinical testing. Allele origin: germline.
Comment: The A2ML1 c.827C>G variant is predicted to result in the amino acid substitution p.Pro276Arg. To our knowledge, this variant has not been reported in the literature. This variant is reported in 0.0085% of alleles in individuals of Latino descent in gnomAD. At this time, the clinical significance of this variant is uncertain due to the absence of conclusive functional and genetic evidence.

Labcorp Genetics (formerly Invitae), Labcorp
Classification: Uncertain significance. Last evaluated: 2025-12-19. Review status: criteria provided, single submitter. Criteria: Invitae Variant Classification Sherloc (09022015). Collection method: clinical testing. Allele origin: germline.
Comment: This sequence change replaces proline, which is neutral and non-polar, with arginine, which is basic and polar, at codon 276 of the A2ML1 protein (p.Pro276Arg). This variant is present in population databases (rs201979319, gnomAD 0.01%). This variant has not been reported in the literature in individuals affected with A2ML1-related conditions. ClinVar contains an entry for this variant (Variation ID: 970215). An algorithm developed to predict the effect of missense changes on protein structure and function (PolyPhen-2) suggests that this variant is likely to be tolerated. In summary, the available evidence is currently insufficient to determine the role of this variant in disease. Therefore, it has been classified as a Variant of Uncertain Significance.

Fulgent Genetics
Classification: Uncertain significance for Otitis media, susceptibility to. Last evaluated: 2024-05-23. Review status: criteria provided, single submitter. Criteria: ACMG Guidelines, 2015. Collection method: clinical testing. Allele origin: germline.

Ambry Genetics
Classification: Uncertain significance. Last evaluated: 2024-03-25. Review status: criteria provided, single submitter. Criteria: Ambry Variant Classification Scheme 2023. Collection method: clinical testing. Allele origin: germline.

GeneDx
Classification: Likely benign. Last evaluated: 2019-12-02. Review status: criteria provided, single submitter. Criteria: GeneDx Variant Classification Process June 2021. Collection method: clinical testing. Allele origin: germline. Affected: yes.
Comment: In silico analysis, which includes protein predictors and evolutionary conservation, supports that this variant does not alter protein structure/function; Has not been previously published as pathogenic or benign to our knowledge